The following is an entry in ClinVar:

ClinVar aggregate classification (germline): Uncertain significance (1 of 4 stars; one submission).

Submission:

CeGaT Center for Human Genetics Tuebingen
Classification: Uncertain significance. Last evaluated: 2022-10-01. Review status: criteria provided, single submitter. Criteria: CeGaT Center For Human Genetics Tuebingen Variant Classification Criteria Version 2. Collection method: clinical testing. Allele origin: germline. Affected: yes. Observed: 1 variant allele.
Comment: GRIN2A: PM2

NM_001134407.3(GRIN2A):c.1063_1065delinsCAG (p.Tyr355Gln)

Gene: GRIN2A (glutamate ionotropic receptor NMDA type subunit 2A; minus strand). Cytogenetic location: 16p13.2.
Variant type: Indel.
Coding change: c.1063_1065delinsCAG on transcript NM_001134407.3 (MANE Select); coding-DNA positions 1063 to 1065, TAC replaced by CAG.
Protein change: p.Tyr355Gln; replaces tyrosine 355 with glutamine.
Molecular consequence: missense variant.
Genome position (GRCh38, 1-based): chr16:9,891,043-9,891,045, GTA replaced by CTG on the plus strand (TAC replaced by CAG on the coding strand, the reverse complement: GRIN2A is on the minus strand). VCF-style: chr16-9891043-GTA-CTG. GRCh37 (hg19) VCF-style: chr16-9984900-GTA-CTG.
Other names: c.1063_1065delinsCAG, p.Tyr355Gln (NM_000833.5, NM_001134408.2); short protein forms Y355Q.
Identifiers: ClinVar variation 1879332 (VCV001879332.29), dbSNP rs2542989899, ClinGen allele CA2580092098.